The following is an entry in ClinVar:

NM_000038.6(APC):c.8188G>T (p.Ala2730Ser)

Gene: APC (APC regulator of Wnt signaling pathway; plus strand). Cytogenetic location: 5q22.2.
Variant type: single nucleotide variant.
Coding change: c.8188G>T on transcript NM_000038.6 (MANE Select); coding-DNA position 8188, G replaced by T.
Protein change: p.Ala2730Ser; replaces alanine 2730 with serine.
Molecular consequence: missense variant.
Genome position (GRCh38, 1-based): chr5:112,843,782, G>T. VCF-style: chr5-112843782-G-T. GRCh37 (hg19) VCF-style: chr5-112179479-G-T.
Other names: c.8188G>T, p.Ala2730Ser (NM_001127510.3, NM_001354895.2); c.8134G>T, p.Ala2712Ser (NM_001127511.3); c.8242G>T, p.Ala2748Ser (NM_001354896.2); c.8218G>T, p.Ala2740Ser (NM_001354897.2); c.8113G>T, p.Ala2705Ser (NM_001354898.2); c.8104G>T, p.Ala2702Ser (NM_001354899.2); c.8065G>T, p.Ala2689Ser (NM_001354900.2); c.8011G>T, p.Ala2671Ser (NM_001354901.2); and 5 more; short protein forms A2570S, A2740S, A2447S, A2604S, A2671S, A2702S, A2705S, A2712S.
Identifiers: ClinVar variation 927745 (VCV000927745.8), dbSNP rs1060503348, ClinGen allele CA16039107.

ClinVar aggregate classification (germline): Uncertain significance. Review status: criteria provided, multiple submitters, no conflicts (2 of 4 stars). 3 submissions from 3 submitters: Uncertain significance (3). Last evaluated 2024-09-30.

Conditions:
Hereditary cancer-predisposing syndrome. Also called: Neoplastic Syndromes, Hereditary; Hereditary Cancer Syndrome; Tumor predisposition; Hereditary neoplastic syndrome. Identifiers: Orphanet 140162, MedGen C0027672, MeSH D009386, MONDO:0015356.
Familial adenomatous polyposis 1 (FAP1). Also called: FAMILIAL ADENOMATOUS POLYPOSIS 1, ATTENUATED; POLYPOSIS, ADENOMATOUS INTESTINAL. Identifiers: MedGen C2713442, MONDO:0021056, OMIM 175100. Disease mechanism: loss of function.

Submissions (3):

Labcorp Genetics (formerly Invitae), Labcorp
Classification: Uncertain significance for Familial adenomatous polyposis 1. Last evaluated: 2024-09-30. Review status: criteria provided, single submitter. Criteria: Invitae Variant Classification Sherloc (09022015). Collection method: clinical testing. Allele origin: germline.
Comment: This sequence change replaces alanine, which is neutral and non-polar, with serine, which is neutral and polar, at codon 2730 of the APC protein (p.Ala2730Ser). This variant is not present in population databases (gnomAD no frequency). This variant has not been reported in the literature in individuals affected with APC-related conditions. ClinVar contains an entry for this variant (Variation ID: 927745). Invitae Evidence Modeling of protein sequence and biophysical properties (such as structural, functional, and spatial information, amino acid conservation, physicochemical variation, residue mobility, and thermodynamic stability) indicates that this missense variant is not expected to disrupt APC protein function with a negative predictive value of 95%. In summary, the available evidence is currently insufficient to determine the role of this variant in disease. Therefore, it has been classified as a Variant of Uncertain Significance.

Color Diagnostics, LLC DBA Color Health
Classification: Uncertain significance for Hereditary cancer-predisposing syndrome. Last evaluated: 2023-12-04. Review status: criteria provided, single submitter. Criteria: ACMG Guidelines, 2015. Collection method: clinical testing. Allele origin: germline.
Comment: This missense variant replaces alanine with serine at codon 2730 of the APC protein. Computational prediction suggests that this variant may not impact protein structure and function (internally defined REVEL score threshold <= 0.5, PMID: 27666373). To our knowledge, functional studies have not been reported for this variant. This variant has not been reported in individuals affected with APC-related disorders in the literature. This variant has not been identified in the general population by the Genome Aggregation Database (gnomAD). The available evidence is insufficient to determine the role of this variant in disease conclusively. Therefore, this variant is classified as a Variant of Uncertain Significance.

Ambry Genetics
Classification: Uncertain significance for Hereditary cancer-predisposing syndrome. Last evaluated: 2019-11-08. Review status: criteria provided, single submitter. Criteria: Ambry Variant Classification Scheme 2023. Collection method: clinical testing. Allele origin: germline.
Comment: The p.A2730S variant (also known as c.8188G>T), located in coding exon 15 of the APC gene, results from a G to T substitution at nucleotide position 8188. The alanine at codon 2730 is replaced by serine, an amino acid with similar properties. This amino acid position is poorly conserved in available vertebrate species. In addition, in silico predictors for this gene do not accurately predict pathogenicity. Since supporting evidence is limited at this time, the clinical significance of this alteration remains unclear.